The following is an entry in ClinVar:

ClinVar aggregate classification (germline): Uncertain significance (1 of 4 stars; one submission).

Allele frequency attached by ClinVar (database versions not stated): gnomAD exomes 0.00001.
gnomAD v4.1: 3 of 1,551,834 alleles (0.00019%); highest among the groups gnomAD compares: South Asian, 0.0012%; no homozygotes.

Submission:

Labcorp Genetics (formerly Invitae), Labcorp
Classification: Uncertain significance. Last evaluated: 2022-06-27. Review status: criteria provided, single submitter. Criteria: Invitae Variant Classification Sherloc (09022015). Collection method: clinical testing. Allele origin: germline.
Comment: In summary, the available evidence is currently insufficient to determine the role of this variant in disease. Therefore, it has been classified as a Variant of Uncertain Significance. Algorithms developed to predict the effect of missense changes on protein structure and function (SIFT, PolyPhen-2, Align-GVGD) all suggest that this variant is likely to be tolerated. This variant has not been reported in the literature in individuals affected with SLC24A1-related conditions. This variant is present in population databases (no rsID available, gnomAD 0.004%). This sequence change replaces glycine, which is neutral and non-polar, with arginine, which is basic and polar, at codon 802 of the SLC24A1 protein (p.Gly802Arg).

NM_004727.3(SLC24A1):c.2404G>C (p.Gly802Arg)

Gene: SLC24A1 (solute carrier family 24 member 1; plus strand). Cytogenetic location: 15q22.31.
Variant type: single nucleotide variant.
Coding change: c.2404G>C on transcript NM_004727.3 (MANE Select); coding-DNA position 2404, G replaced by C.
Protein change: p.Gly802Arg; replaces glycine 802 with arginine.
Molecular consequence: missense variant.
Genome position (GRCh38, 1-based): chr15:65,650,553, G>C. VCF-style: chr15-65650553-G-C. GRCh37 (hg19) VCF-style: chr15-65942891-G-C.
Other names: c.385G>C, p.Gly129Arg (NM_001254740.2); c.2404G>C, p.Gly802Arg (NM_001301031.1); c.2350G>C, p.Gly784Arg (NM_001301032.1, NM_001301033.2); short protein forms G784R, G129R, G802R.
Identifiers: ClinVar variation 1368646 (VCV001368646.6), dbSNP rs1456712540, ClinGen allele CA392899218.
Genomic context (GRCh38, chr15:65,650,553, plus strand): 5'-GAAGGTGAAACTGAAACACAAGGAAAAGGAGAAGAATGTGAAGATGAAAATGAAGCAGAA[G>C]GAAAAGGAGACAATGAAGGTGAAGATGAGGGTGAAATCCACGCAGAAGATGGTGAAATGA-3'
Protein context (NP_004718.1, residues 792-812): EECEDENEAE[Gly802Arg]KGDNEGEDEG